The following is an entry in ClinVar:

NM_000808.4(GABRA3):c.374A>G (p.Glu125Gly)

Gene: GABRA3 (gamma-aminobutyric acid type A receptor subunit alpha3; minus strand). Cytogenetic location: Xq28.
Variant type: single nucleotide variant.
Coding change: c.374A>G on transcript NM_000808.4 (MANE Select); coding-DNA position 374, A replaced by G.
Protein change: p.Glu125Gly; replaces glutamic acid 125 with glycine.
Molecular consequence: missense variant.
Genome position (GRCh38, 1-based): chrX:152,255,955, T>C on the plus strand (A>G on the coding strand, the complement: GABRA3 is on the minus strand). VCF-style: chrX-152255955-T-C. GRCh37 (hg19) VCF-style: chrX-151424427-T-C.
Other names: short protein forms E125G.
Identifiers: ClinVar variation 4532376 (VCV004532376.1).
Genomic context (GRCh38, chrX:152,255,955, plus strand): 5'-TTACTAGCCAGGAGATTGTTCAGTGGAAGGATCTTCATGGGGCCATCAAATTTCAGTCTT[T>C]CATCATGCCATGTCTGCCGAAAAAATACATCAATAGTGTACTCCTAGGGGTGAAAAGAGA-3'
Protein context (NP_000799.1, residues 115-135): DVFFRQTWHD[Glu125Gly]RLKFDGPMKI

ClinVar aggregate classification (germline): Uncertain significance (1 of 4 stars; one submission).

Submission:

GeneDx
Classification: Uncertain significance. Last evaluated: 2024-04-04. Review status: criteria provided, single submitter. Criteria: GeneDx Variant Classification Process June 2021. Collection method: clinical testing. Allele origin: germline. Affected: yes.
Comment: Not observed at significant frequency in large population cohorts (gnomAD); In silico analysis supports that this missense variant has a deleterious effect on protein structure/function; Has not been previously published as pathogenic or benign to our knowledge; Variants in candidate genes are classified as variants of uncertain significance in accordance with ACMG guidelines (PMID: 25741868)